The following is an entry in ClinVar:

ClinVar aggregate classification (germline): Uncertain significance. Review status: criteria provided, multiple submitters, no conflicts (2 of 4 stars). 2 submissions from 2 submitters: Uncertain significance (2). Last evaluated 2025-12-13.

Conditions:
Hereditary cancer-predisposing syndrome. Also called: Neoplastic Syndromes, Hereditary; Tumor predisposition; Hereditary Cancer Syndrome; Hereditary neoplastic syndrome. Identifiers: Orphanet 140162, MedGen C0027672, MeSH D009386, MONDO:0015356.
Familial melanoma. Also called: Hereditary melanoma; Hereditary cutaneous melanoma. Identifiers: Orphanet 618, MedGen C1512419, MONDO:0018961.

Submissions (2):

Labcorp Genetics (formerly Invitae), Labcorp
Classification: Uncertain significance for Familial melanoma. Last evaluated: 2025-12-13. Review status: criteria provided, single submitter. Criteria: Invitae Variant Classification Sherloc (09022015). Collection method: clinical testing. Allele origin: germline.
Comment: This sequence change replaces aspartic acid, which is acidic and polar, with valine, which is neutral and non-polar, at codon 153 of the CDKN2A (p16INK4a) protein (p.Asp153Val). This variant is not present in population databases (gnomAD no frequency). This variant has not been reported in the literature in individuals affected with CDKN2A (p16INK4a)-related conditions. ClinVar contains an entry for this variant (Variation ID: 406721). An algorithm developed to predict the effect of missense changes on protein structure and function (PolyPhen-2) suggests that this variant is likely to be tolerated. In summary, the available evidence is currently insufficient to determine the role of this variant in disease. Therefore, it has been classified as a Variant of Uncertain Significance.

Ambry Genetics
Classification: Uncertain significance for Hereditary cancer-predisposing syndrome. Last evaluated: 2022-09-20. Review status: criteria provided, single submitter. Criteria: Ambry Variant Classification Scheme 2023. Collection method: clinical testing. Allele origin: germline.
Comment: The p.D153V variant (also known as c.458A>T) is located in coding exon 3 of the CDKN2A gene. The aspartic acid at codon 153 is replaced by valine, an amino acid with highly dissimilar properties. This change occurs in the first base pair of coding exon 3. This amino acid position is well conserved in available vertebrate species. In addition, this alteration is predicted to be tolerated by in silico analysis. Since supporting evidence is limited at this time, the clinical significance of this alteration remains unclear.

NM_000077.5(CDKN2A):c.458A>T (p.Asp153Val)

Gene: CDKN2A (cyclin dependent kinase inhibitor 2A; minus strand). Cytogenetic location: 9p21.3.
Variant type: single nucleotide variant.
Coding change: c.458A>T on transcript NM_000077.5; coding-DNA position 458, A replaced by T.
Protein change: p.Asp153Val; replaces aspartic acid 153 with valine.
Molecular consequence: missense variant (on NM_000077.6). On other transcripts: 3 prime UTR variant (3).
Genome position (GRCh38, 1-based): chr9:21,968,242, T>A on the plus strand (A>T on the coding strand, the complement: CDKN2A is on the minus strand). VCF-style: chr9-21968242-T-A. GRCh37 (hg19) VCF-style: chr9-21968241-T-A.
Other names: c.458A>T, p.Asp153Val (NM_000077.6); c.*151A>T (NM_001195132.2); c.305A>T, p.Asp102Val (NM_001363763.2); c.*102A>T (NM_058195.4); c.*381A>T (NM_058197.5); short protein forms D153V, D102V.
Identifiers: ClinVar variation 406721 (VCV000406721.11), dbSNP rs1060501272, ClinGen allele CA16612852.